The following is an entry in ClinVar:

NM_001035.3(RYR2):c.11775+5A>G

Gene: RYR2 (ryanodine receptor 2; plus strand). Cytogenetic location: 1q43.
Variant type: single nucleotide variant.
Coding change: c.11775+5A>G on transcript NM_001035.3 (MANE Select); 5 bases into the intron after coding-DNA position 11775, A replaced by G.
Molecular consequence: intron variant.
Genome position (GRCh38, 1-based): chr1:237,773,653, A>G. VCF-style: chr1-237773653-A-G. GRCh37 (hg19) VCF-style: chr1-237936953-A-G.
Other names: c.11775+5A>G (LRG_402t1).
Identifiers: ClinVar variation 388228 (VCV000388228.3), dbSNP rs1057523038, ClinGen allele CA16603657.

ClinVar aggregate classification (germline): Conflicting classifications of pathogenicity. Review status: criteria provided, conflicting classifications (1 of 4 stars). 3 submissions from 3 submitters: Uncertain significance (2); Likely benign (1). Last evaluated 2026-04-01.

Conditions:
Catecholaminergic polymorphic ventricular tachycardia (CVPT). Also called: Catecholamine-induced polymorphic ventricular tachycardia. Identifiers: Orphanet 3286, MedGen C5574922, MONDO:0017990.
Cardiovascular phenotype. Identifiers: MedGen CN230736.

Allele frequency attached by ClinVar (database versions not stated): gnomAD exomes below 0.00001.
gnomAD v4.1: 2 of 1,610,292 alleles (0.00012%); highest among the groups gnomAD compares: Non-Finnish European, 0.00017%; no homozygotes.

Submissions (3):

Ambry Genetics
Classification: Uncertain significance for Cardiovascular phenotype. Last evaluated: 2026-04-01. Review status: criteria provided, single submitter. Criteria: Ambry Variant Classification Scheme 2023. Collection method: clinical testing. Allele origin: germline.
Comment: The c.11775+5A>G intronic variant results from an A to G substitution 5 nucleotides after coding exon 87 in the RYR2 gene. This nucleotide position is not well conserved in available vertebrate species. In silico splice site analysis predicts that this alteration will not have any significant effect on splicing. Based on the available evidence, the clinical significance of this variant remains unclear.

All of Us Research Program, National Institutes of Health
Classification: Uncertain significance for Catecholaminergic polymorphic ventricular tachycardia. Last evaluated: 2024-06-09. Review status: criteria provided, single submitter. Criteria: ACMG Guidelines, 2015. Collection method: clinical testing. Allele origin: germline. Inheritance: Autosomal dominant inheritance. Observed: 1 variant allele, 1 heterozygote.
Comment: This variant causes an A to G nucleotide substitution at the +5 position of intron 87 of the RYR2 gene. To our knowledge, functional RNA studies have not been reported for this variant. This variant has not been reported in individuals affected with RYR2-related disorders in the literature. This variant has not been identified in the general population by the Genome Aggregation Database (gnomAD). The available evidence is insufficient to determine the role of this variant in disease conclusively. Therefore, this variant is classified as a Variant of Uncertain Significance.

This study involves interpretation of variants in research participants for the purpose of population health screening. Participant phenotype was not available at the time of variant classification. Additional details can be found in publication PMID: 35346344, PMCID: PMC8962531

GeneDx
Classification: Likely benign. Last evaluated: 2016-08-05. Review status: criteria provided, single submitter. Criteria: GeneDx Variant Classification (06012015). Collection method: clinical testing. Allele origin: germline. Affected: yes.
Comment: This variant is considered likely benign or benign based on one or more of the following criteria: it is a conservative change, it occurs at a poorly conserved position in the protein, it is predicted to be benign by multiple in silico algorithms, and/or has population frequency not consistent with disease.